The following is an entry in ClinVar:

ClinVar aggregate classification (germline): Uncertain significance. Review status: criteria provided, multiple submitters, no conflicts (2 of 4 stars). 2 submissions from 2 submitters: Uncertain significance (2). Last evaluated 2023-06-13.

Conditions:
DCLRE1B-related disorder. Also called: DCLRE1B-related condition.
Hoyeraal-Hreidarsson syndrome (HHS). Also called: CEREBELLAR HYPOPLASIA WITH PANCYTOPENIA. Identifiers: Orphanet 3322, MedGen C1846142, MONDO:0018045.
Autosomal recessive dyskeratosis congenita. Identifiers: MedGen C3502105.

Allele frequency attached by ClinVar (database versions not stated): ExAC 0.00004; gnomAD 0.00001; TOPMed 0.00002; gnomAD exomes 0.00003.

Submissions (2):

Labcorp Genetics (formerly Invitae), Labcorp
Classification: Uncertain significance for Hoyeraal-Hreidarsson syndrome; Autosomal recessive dyskeratosis congenita. Last evaluated: 2023-06-13. Review status: criteria provided, single submitter. Criteria: Invitae Variant Classification Sherloc (09022015). Collection method: clinical testing. Allele origin: germline.
Comment: In summary, the available evidence is currently insufficient to determine the role of this variant in disease. Therefore, it has been classified as a Variant of Uncertain Significance. An algorithm developed to predict the effect of missense changes on protein structure and function (PolyPhen-2) suggests that this variant is likely to be disruptive. ClinVar contains an entry for this variant (Variation ID: 533709). This variant has not been reported in the literature in individuals affected with DCLRE1B-related conditions. This variant is present in population databases (rs770692934, gnomAD 0.006%). This sequence change replaces glutamic acid, which is acidic and polar, with alanine, which is neutral and non-polar, at codon 73 of the DCLRE1B protein (p.Glu73Ala).

PreventionGenetics, part of Exact Sciences
Classification: Uncertain significance for DCLRE1B-related condition. Last evaluated: 2023-04-19. Review status: criteria provided, single submitter. Criteria: ACMG Guidelines, 2015. Collection method: clinical testing. Allele origin: germline.
Comment: The DCLRE1B c.218A>C variant is predicted to result in the amino acid substitution p.Glu73Ala. To our knowledge, this variant has not been reported in the literature. This variant is reported in 0.0058% of alleles in individuals of Latino descent in gnomAD. At this time, the clinical significance of this variant is uncertain due to the absence of conclusive functional and genetic evidence.

NM_022836.4(DCLRE1B):c.218A>C (p.Glu73Ala)

Gene: DCLRE1B (DNA cross-link repair 1B; plus strand). Cytogenetic location: 1p13.2.
Variant type: single nucleotide variant.
Coding change: c.218A>C on transcript NM_022836.4 (MANE Select); coding-DNA position 218, A replaced by C.
Protein change: p.Glu73Ala; replaces glutamic acid 73 with alanine.
Molecular consequence: missense variant. On other transcripts: intron variant (3).
Genome position (GRCh38, 1-based): chr1:113,907,024, A>C. VCF-style: chr1-113907024-A-C. GRCh37 (hg19) VCF-style: chr1-114449646-A-C.
Other names: c.218A>C, p.Glu73Ala (LRG_1219t1, NM_001363690.2); c.-23-985A>C (NM_001319947.2, NM_001319946.2, NM_001363691.2); short protein forms E73A.
Identifiers: ClinVar variation 533709 (VCV000533709.11), dbSNP rs770692934, ClinGen allele CA1016315.